The following is an entry in ClinVar:

ClinVar aggregate classification (germline): Pathogenic (0 of 4 stars; one submission).

Conditions:
Pyruvate dehydrogenase E1-alpha deficiency (PDHAD). Also called: ATAXIA, INTERMITTENT, WITH PYRUVATE DEHYDROGENASE DEFICIENCY; ATAXIA WITH LACTIC ACIDOSIS I; ATAXIA, INTERMITTENT, WITH ABNORMAL PYRUVATE METABOLISM; Ataxia, intermittent, with pyruvate dehydrogenase, or decarboxylase, deficiency. Identifiers: Orphanet 79243, MedGen C1839413, MONDO:0010717, OMIM 312170.

Submission:

PDHA1 Study Group, University Children’s Hospital, Paracelsus Medical University
Classification: Pathogenic for Pyruvate dehydrogenase E1-alpha deficiency. Last evaluated: 2024-10-15. Review status: no assertion criteria provided. Collection method: research. Allele origin: de novo. Affected: yes. Observed: 3 variant alleles.
Comment: The NM_000284.3:c.1144_1159dup (p.Lys387ThrfsTer6) change is a nonsense variant in PDHA1 gene. This variant is predicted to escape nonsense-mediated decay (NMD). In total, 3 individuals were diagnosed with PDHA1-related Pyruvate dehydrogenase complex (PDHc) deficiency (MIM #312170). These include 3 males. Among them, 1 case had confirmed de novo occurrence, and 1 was confirmed inherited. The variant has been reported in 2 published cases (PMIDs: 8844217, 20002461). Last literature search: July 12, 2024. This variant is absent or extremely rare in population-based cohorts in the Genome Aggregation Database (gnomAD). Individuals harboring this variant presented with clinical features compatible with PDHA1-related PDHc deficiency. In summary, this variant meets criteria to be classified as pathogenic (P) for PDHA1-related PDHc deficiency based on the ACMG/AMP criteria applied: PVS1, PS1, PS2, PM2 (last assessment October 15, 2024).

Literature cited by the submitters: PubMed 8844217; PubMed 20002461; DOI 10.1093/brain/awaf430.

NM_000284.4(PDHA1):c.1144_1159dup (p.Lys387delinsThrValAspGlnValTer)

Gene: PDHA1 (pyruvate dehydrogenase E1 subunit alpha 1; plus strand). Cytogenetic location: Xp22.12.
Variant type: Duplication.
Coding change: c.1144_1159dup on transcript NM_000284.4 (MANE Select); coding-DNA positions 1144 to 1159, 16 bases duplicated (CAGTGGATCAAGTTTA).
Protein change: p.Lys387delinsThrValAspGlnValTer.
Molecular consequence: nonsense.
Genome position (GRCh38, 1-based): chrX:19,359,624-19,359,639, CAGTGGATCAAGTTTA duplicated. VCF-style (leftmost placement, unchanged base first): chrX-19359623-T-TCAGTGGATCAAGTTTA. GRCh37 (hg19) VCF-style: chrX-19377741-T-TCAGTGGATCAAGTTTA.
Other names: c.1258_1273dup, p.Lys425delinsThrValAspGlnValTer (NM_001173454.2); c.1165_1180dup, p.Lys394delinsThrValAspGlnValTer (NM_001173455.2); c.1051_1066dup, p.Lys356delinsThrValAspGlnValTer (NM_001173456.2).
Identifiers: ClinVar variation 4070493 (VCV004070493.1).